The following is an entry in ClinVar:

ClinVar aggregate classification (germline): Uncertain significance (1 of 4 stars; one submission).

Submission:

Labcorp Genetics (formerly Invitae), Labcorp
Classification: Uncertain significance. Last evaluated: 2022-12-27. Review status: criteria provided, single submitter. Criteria: Invitae Variant Classification Sherloc (09022015). Collection method: clinical testing. Allele origin: germline.
Comment: In summary, the available evidence is currently insufficient to determine the role of this variant in disease. Therefore, it has been classified as a Variant of Uncertain Significance. Experimental studies and prediction algorithms are not available or were not evaluated, and the functional significance of this variant is currently unknown. This variant has not been reported in the literature in individuals affected with SMARCB1-related conditions. This variant is not present in population databases (gnomAD no frequency). This variant results in the deletion of c.-1_2del of the SMARCB1 gene. The next in-frame methionine is located at codon 2.

NM_003073.5(SMARCB1):c.-1_2del (p.Met4del)

Gene: SMARCB1 (SWI/SNF related BAF chromatin remodeling complex subunit B1; plus strand). Cytogenetic location: 22q11.23.
Variant type: Deletion.
Coding change: c.-1_2del on transcript NM_003073.5 (MANE Select); 1 bases upstream of the start codon through coding-DNA position 2, 3 bases deleted (AAT; older notation c.-1_2delAAT).
Protein change: p.Met4del; deletes methionine 4.
Molecular consequence: inframe deletion, initiator codon variant.
Genome position (GRCh38, 1-based): chr22:23,787,169-23,787,171, AAT deleted. VCF-style (leftmost placement, unchanged base first): chr22-23787168-CAAT-C. GRCh37 (hg19) VCF-style: chr22-24129355-CAAT-C.
Other names: c.-1_2del, p.Met4del (NM_001007468.3, NM_001317946.2, NM_001362877.2); short protein forms M4del.
Identifiers: ClinVar variation 2798151 (VCV002798151.3), dbSNP rs2517652381, ClinGen allele CA2739267827.